The following is an entry in ClinVar:

ClinVar aggregate classification (germline): Likely pathogenic (1 of 4 stars; one submission).

Submission:

Labcorp Genetics (formerly Invitae), Labcorp
Classification: Likely pathogenic. Last evaluated: 2024-02-23. Review status: criteria provided, single submitter. Criteria: Invitae Variant Classification Sherloc (09022015). Collection method: clinical testing. Allele origin: germline.
Comment: This sequence change affects a donor splice site in intron 5 of the GNAT1 gene. It is expected to disrupt RNA splicing. Variants that disrupt the donor or acceptor splice site typically lead to a loss of protein function (PMID: 16199547), and loss-of-function variants in GNAT1 are known to be pathogenic (PMID: 11095744, 31736247). This variant is not present in population databases (gnomAD no frequency). This variant has not been reported in the literature in individuals affected with GNAT1-related conditions. ClinVar contains an entry for this variant (Variation ID: 1472808). Algorithms developed to predict the effect of sequence changes on RNA splicing suggest that this variant may disrupt the consensus splice site. In summary, the currently available evidence indicates that the variant is pathogenic, but additional data are needed to prove that conclusively. Therefore, this variant has been classified as Likely Pathogenic.

Literature cited by the submitters: PubMed 16199547; PubMed 11095744; PubMed 31736247.

NM_144499.3(GNAT1):c.578+1G>C

Gene: GNAT1 (G protein subunit alpha transducin 1; plus strand). Cytogenetic location: 3p21.31.
Variant type: single nucleotide variant.
Coding change: c.578+1G>C on transcript NM_144499.3 (MANE Select); the canonical splice donor site of the intron after coding-DNA position 578, G replaced by C.
Molecular consequence: splice donor variant.
Genome position (GRCh38, 1-based): chr3:50,193,882, G>C. VCF-style: chr3-50193882-G-C. GRCh37 (hg19) VCF-style: chr3-50231315-G-C.
Other names: c.578+1G>C (NM_000172.4).
Identifiers: ClinVar variation 1472808 (VCV001472808.8), dbSNP rs2109139201, ClinGen allele CA352916759.